The following is an entry in ClinVar:

NM_000278.5(PAX2):c.453G>A (p.Pro151=)

Gene: PAX2 (paired box 2; plus strand). Cytogenetic location: 10q24.31.
Variant type: single nucleotide variant.
Coding change: c.453G>A on transcript NM_000278.5 (MANE Select); coding-DNA position 453, G replaced by A.
Protein change: p.Pro151=; no amino-acid change (proline 151 retained).
Molecular consequence: synonymous variant.
Genome position (GRCh38, 1-based): chr10:100,779,540, G>A. VCF-style: chr10-100779540-G-A. GRCh37 (hg19) VCF-style: chr10-102539297-G-A.
Other names: c.546G>A, p.Pro182= (NM_001304569.2); c.453G>A, p.Pro151= (NM_003987.5, NM_003988.5, NM_003989.5 and 1 more transcripts).
Identifiers: ClinVar variation 1136654 (VCV001136654.29), dbSNP rs199876625, ClinGen allele CA5650729.
Genomic context (GRCh38, chr10:100,779,540, plus strand): 5'-GTTGTGACGCTGTTGCAGAATCATCCGGACCAAAGTTCAGCAGCCTTTCCACCCAACGCC[G>A]GATGGGGCTGGGACAGGAGTGACCGCCCCTGGCCACACCATTGGTAAGAGGGCTCAGGGA-3'
Protein context (NP_000269.3, residues 141-161): TKVQQPFHPT[Pro151=]DGAGTGVTAP

ClinVar aggregate classification (germline): Likely benign. Review status: criteria provided, multiple submitters, no conflicts (2 of 4 stars). 3 submissions from 3 submitters: Likely benign (3). Last evaluated 2025-11-28.

Conditions:
Focal segmental glomerulosclerosis 7 (FSGS7). Identifiers: Orphanet 656, MedGen C4014925, MONDO:0014451, OMIM 616002.
Renal coloboma syndrome (PAPRS). Also called: PAPILLORENAL SYNDROME; COLOBOMA OF OPTIC NERVE WITH RENAL DISEASE; OPTIC COLOBOMA, VESICOURETERAL REFLUX, AND RENAL ANOMALIES; OPTIC NERVE COLOBOMA WITH RENAL DISEASE; RENAL-COLOBOMA SYNDROME WITH MACULAR ABNORMALITIES; PAPILLORENAL SYNDROME WITH MILD OCULAR ABNORMALITIES. Identifiers: Orphanet 1475, MedGen C1852759, MONDO:0007352, OMIM 120330.

Allele frequency attached by ClinVar (database versions not stated): 1000 Genomes Project 30x 0.00031; ExAC 0.00031; 1000 Genomes Project 0.00040.
gnomAD v4.1: 190 of 1,596,850 alleles (0.012%); highest among the groups gnomAD compares: Middle Eastern, 0.13%; no homozygotes.

Submissions (3):

Labcorp Genetics (formerly Invitae), Labcorp
Classification: Likely benign for Renal coloboma syndrome; Focal segmental glomerulosclerosis 7. Last evaluated: 2025-11-28. Review status: criteria provided, single submitter. Criteria: Invitae Variant Classification Sherloc (09022015). Collection method: clinical testing. Allele origin: germline.

Blueprint Genetics
Classification: Likely benign. Last evaluated: 2024-09-12. Review status: criteria provided, single submitter. Criteria: ACMG Guidelines, 2015. Collection method: clinical testing. Allele origin: germline.

CeGaT Center for Human Genetics Tuebingen
Classification: Likely benign. Last evaluated: 2024-05-01. Review status: criteria provided, single submitter. Criteria: CeGaT Center For Human Genetics Tuebingen Variant Classification Criteria Version 2. Collection method: clinical testing. Allele origin: germline. Affected: yes. Observed: 1 variant allele.
Comment: PAX2: BP4, BP7